The following is an entry in ClinVar:

ClinVar aggregate classification (germline): Uncertain significance (1 of 4 stars; one submission).

Submission:

CeGaT Center for Human Genetics Tuebingen
Classification: Uncertain significance. Last evaluated: 2022-05-01. Review status: criteria provided, single submitter. Criteria: CeGaT Center For Human Genetics Tuebingen Variant Classification Criteria Version 2. Collection method: clinical testing. Allele origin: germline. Affected: yes. Observed: 2 variant alleles.
Comment: GABRA1: PM2, PP3

NM_001127644.2(GABRA1):c.1280T>C (p.Phe427Ser)

Gene: GABRA1 (gamma-aminobutyric acid type A receptor subunit alpha1; plus strand). Cytogenetic location: 5q34.
Variant type: single nucleotide variant.
Coding change: c.1280T>C on transcript NM_001127644.2 (MANE Select); coding-DNA position 1280, T replaced by C.
Protein change: p.Phe427Ser; replaces phenylalanine 427 with serine.
Molecular consequence: missense variant.
Genome position (GRCh38, 1-based): chr5:161,897,331, T>C. VCF-style: chr5-161897331-T-C. GRCh37 (hg19) VCF-style: chr5-161324337-T-C.
Other names: c.1280T>C, p.Phe427Ser (NM_000806.5, NM_001127643.2, NM_001127645.2 and 1 more transcripts); short protein forms F427S.
Identifiers: ClinVar variation 1176496 (VCV001176496.35), dbSNP rs2113470382, ClinGen allele CA362181189.